The following is an entry in ClinVar:

ClinVar aggregate classification (germline): Benign/Likely benign. Review status: criteria provided, multiple submitters, no conflicts (2 of 4 stars). 3 submissions from 3 submitters: Benign (1); Likely benign (2). Last evaluated 2025-02-04.

Conditions:
Hereditary cancer-predisposing syndrome. Also called: Neoplastic Syndromes, Hereditary; Tumor predisposition; Hereditary Cancer Syndrome; Hereditary neoplastic syndrome. Identifiers: Orphanet 140162, MedGen C0027672, MeSH D009386, MONDO:0015356.
Hereditary nonpolyposis colorectal neoplasms. Identifiers: MedGen C0009405, MeSH D003123.
Lynch syndrome 4 (LYNCH4). Also called: Colorectal cancer, hereditary nonpolyposis, type 4; Hereditary non-polyposis colorectal cancer, type 4. Identifiers: Orphanet 144, MedGen C1838333, MONDO:0013699, OMIM 614337. Disease mechanism: loss of function.

Allele frequency attached by ClinVar (database versions not stated): ExAC 0.00003; gnomAD exomes 0.00003 and 0.00004.
gnomAD v4.1: 14 of 664,202 alleles (0.0021%); highest among the groups gnomAD compares: Non-Finnish European, 0.00025%; 3 homozygotes.

Submissions (3):

Myriad Genetics, Inc.
Classification: Benign for Lynch syndrome 4. Last evaluated: 2025-02-04. Review status: criteria provided, single submitter. Criteria: Myriad Autosomal Dominant, Autosomal Recessive and X-Linked Classification Criteria (2023). Collection method: clinical testing. Allele origin: unknown.
Comment: This variant is considered benign. This variant is a silent/synonymous amino acid change and it is not expected to impact splicing.

Labcorp Genetics (formerly Invitae), Labcorp
Classification: Likely benign for Hereditary nonpolyposis colorectal neoplasms. Last evaluated: 2024-11-08. Review status: criteria provided, single submitter. Criteria: Invitae Variant Classification Sherloc (09022015). Collection method: clinical testing. Allele origin: germline.

Ambry Genetics
Classification: Likely benign for Hereditary cancer-predisposing syndrome. Last evaluated: 2019-05-23. Review status: criteria provided, single submitter. Criteria: Ambry Variant Classification Scheme 2023. Collection method: clinical testing. Allele origin: germline.

NM_000535.7(PMS2):c.2496C>G (p.Thr832=)

Gene: PMS2 (PMS1 homolog 2, mismatch repair system component; minus strand). Cytogenetic location: 7p22.1.
Variant type: single nucleotide variant.
Coding change: c.2496C>G on transcript NM_000535.7 (MANE Select); coding-DNA position 2496, C replaced by G.
Protein change: p.Thr832=; no amino-acid change (threonine 832 retained).
Molecular consequence: synonymous variant. On other transcripts: non-coding transcript variant (1).
Genome position (GRCh38, 1-based): chr7:5,973,492, G>C on the plus strand (C>G on the coding strand, the complement: PMS2 is on the minus strand). VCF-style: chr7-5973492-G-C. GRCh37 (hg19) VCF-style: chr7-6013123-G-C.
Other names: c.2091C>G, p.Thr697= (NM_001322003.2, NM_001322004.2, NM_001322005.2); c.2340C>G, p.Thr780= (NM_001322006.2); c.2178C>G, p.Thr726= (NM_001322007.2, NM_001322008.2); c.2124C>G, p.Thr708= (NM_001322009.2); c.1935C>G, p.Thr645= (NM_001322010.2); c.1563C>G, p.Thr521= (NM_001322011.2, NM_001322012.2); c.1923C>G, p.Thr641= (NM_001322013.2); c.2529C>G, p.Thr843= (NM_001322014.2); and 1 more.
Identifiers: ClinVar variation 821362 (VCV000821362.15), dbSNP rs746653856, ClinGen allele CA048412.
Genomic context (GRCh38, chr7:5,973,492, plus strand): 5'-GTGTCTCATGGTTGGCCTTCCATGGGGACAGTTCCAGGGGTGGTCCATCTCCCCCATGTG[G>C]GTGATCAGTTTCTTCATCTCGCTTGTGTTAAGAGCAGTCCCAATCATCACCTGAGTGTGA-3'
Protein context (NP_000526.2, residues 822-842): LNTSEMKKLI[Thr832=]HMGEMDHPWN